The following is an entry in ClinVar:

ClinVar aggregate classification (germline): Uncertain significance (1 of 4 stars; one submission).

Submission:

GeneDx
Classification: Uncertain significance. Last evaluated: 2025-04-17. Review status: criteria provided, single submitter. Criteria: GeneDx Variant Classification Process June 2021. Collection method: clinical testing. Allele origin: germline. Affected: yes.
Comment: Not observed at significant frequency in large population cohorts (gnomAD); In silico analysis supports that this missense variant has a deleterious effect on protein structure/function; Has not been previously published as pathogenic or benign to our knowledge

NM_003070.5(SMARCA2):c.2192G>T (p.Gly731Val)

Gene: SMARCA2 (SWI/SNF related BAF chromatin remodeling complex subunit ATPase 2; plus strand). Cytogenetic location: 9p24.3.
Variant type: single nucleotide variant.
Coding change: c.2192G>T on transcript NM_003070.5 (MANE Select); coding-DNA position 2192, G replaced by T.
Protein change: p.Gly731Val; replaces glycine 731 with valine.
Molecular consequence: missense variant.
Genome position (GRCh38, 1-based): chr9:2,081,839, G>T. VCF-style: chr9-2081839-G-T. GRCh37 (hg19) VCF-style: chr9-2081839-G-T.
Other names: c.2192G>T, p.Gly731Val (NM_001289396.2, NM_001289397.2, NM_139045.4); short protein forms G731V.
Identifiers: ClinVar variation 4282219 (VCV004282219.1).